The following is an entry in ClinVar:

ClinVar aggregate classification (germline): Uncertain significance. Review status: criteria provided, multiple submitters, no conflicts (2 of 4 stars). 2 submissions from 2 submitters: Uncertain significance (2). Last evaluated 2023-04-13.

Allele frequency attached by ClinVar (database versions not stated): ExAC 0.00006; TOPMed 0.00006; gnomAD 0.00007; gnomAD exomes 0.00011; ESP Exome Variant Server 0.00023.
gnomAD v4.1: 166 of 1,614,134 alleles (0.01%); highest among the groups gnomAD compares: Non-Finnish European, 0.013%; no homozygotes.

Submissions (2):

GeneDx
Classification: Uncertain significance. Last evaluated: 2023-04-13. Review status: criteria provided, single submitter. Criteria: GeneDx Variant Classification Process June 2021. Collection method: clinical testing. Allele origin: germline. Affected: yes.
Comment: In silico analysis supports that this missense variant has a deleterious effect on protein structure/function; Has not been previously published as pathogenic or benign to our knowledge; Variants in candidate genes are classified as variants of uncertain significance in accordance with ACMG guidelines (Richards et al., 2015)

Ambry Genetics
Classification: Uncertain significance. Last evaluated: 2022-10-03. Review status: criteria provided, single submitter. Criteria: Ambry Variant Classification Scheme 2023. Collection method: clinical testing. Allele origin: germline.

NM_001347886.2(DNAH3):c.12130C>T (p.Leu4044Phe)

Gene: DNAH3 (dynein axonemal heavy chain 3; minus strand). Cytogenetic location: 16p12.3.
Variant type: single nucleotide variant.
Coding change: c.12130C>T on transcript NM_001347886.2 (MANE Select); coding-DNA position 12130, C replaced by T.
Protein change: p.Leu4044Phe; replaces leucine 4044 with phenylalanine.
Molecular consequence: missense variant.
Genome position (GRCh38, 1-based): chr16:20,933,237, G>A on the plus strand (C>T on the coding strand, the complement: DNAH3 is on the minus strand). VCF-style: chr16-20933237-G-A. GRCh37 (hg19) VCF-style: chr16-20944559-G-A.
Other names: c.12268C>T, p.Leu4090Phe (NM_017539.2); short protein forms L4090F, L4044F.
Identifiers: ClinVar variation 2390806 (VCV002390806.3), dbSNP rs146986052, ClinGen allele CA7945516.
Genomic context (GRCh38, chr16:20,933,237, plus strand): 5'-AGGCCACCCCTCGGTTTATCCAGTGCTTCTGGGGCATGTCTGTTGGAAGCTCAATGGAGA[G>A]GACATAGTTGGTAGAGTGGCCTGTGGTGGAGAGGGTTCCTCTGCGGGCACTTGTTTTGTA-3'
Protein context (NP_001334815.1, residues 4034-4054): STTGHSTNYV[Leu4044Phe]SIELPTDMPQ